The following is an entry in ClinVar:

NM_020988.3(GNAO1):c.723+4099G>A

Gene: GNAO1 (G protein subunit alpha o1; plus strand). Cytogenetic location: 16q13.
Variant type: single nucleotide variant.
Coding change: c.723+4099G>A on transcript NM_020988.3 (MANE Select); 4099 bases into the intron after coding-DNA position 723, G replaced by A.
Molecular consequence: intron variant. On other transcripts: synonymous variant (1).
Genome position (GRCh38, 1-based): chr16:56,340,959, G>A. VCF-style: chr16-56340959-G-A. GRCh37 (hg19) VCF-style: chr16-56374871-G-A.
Other names: c.849G>A, p.Pro283= (NM_138736.3).
Identifiers: ClinVar variation 585944 (VCV000585944.7), dbSNP rs116277860, ClinGen allele CA8063883.

ClinVar aggregate classification (germline): Benign/Likely benign. Review status: criteria provided, multiple submitters, no conflicts (2 of 4 stars). 4 submissions from 4 submitters: Benign (1); Likely benign (2). 1 of the submissions does not count toward it. Last evaluated 2018-08-12.

Conditions:
GNAO1-related disorder. Also called: GNAO1-related condition; GNAO1-Related Disorders. Identifiers: MedGen CN381308.

Allele frequency attached by ClinVar (database versions not stated): gnomAD exomes 0.00243; ExAC 0.00303; ESP Exome Variant Server 0.00916; gnomAD 0.00925 and 0.00972; TOPMed 0.01012; 1000 Genomes Project 30x 0.01234; 1000 Genomes Project 0.01278.
gnomAD v4.1: 2,814 of 1,613,890 alleles (0.17%); highest among the groups gnomAD compares: African/African-American, 3.3%; 49 homozygotes.

Submissions (4):

GeneDx
Classification: Likely benign. Last evaluated: 2018-08-12. Review status: criteria provided, single submitter. Criteria: GeneDx Variant Classification Process June 2021. Collection method: clinical testing. Allele origin: germline. Affected: yes.

Athena Diagnostics
Classification: Benign. Last evaluated: 2017-09-07. Review status: criteria provided, single submitter. Criteria: Athena Diagnostics Criteria. Collection method: clinical testing. Allele origin: germline.

Breakthrough Genomics
Classification: Likely benign. Review status: criteria provided, single submitter. Criteria: ACMG Guidelines, 2015. Collection method: not provided. Allele origin: germline. Inheritance: Autosomal dominant inheritance. Affected: yes.

PreventionGenetics, part of Exact Sciences
Classification: Benign for GNAO1-related condition. Last evaluated: 2019-05-29. Review status: no assertion criteria provided. Collection method: clinical testing. Allele origin: germline. Not counted in ClinVar's aggregate classification.
Comment: This variant is classified as benign based on ACMG/AMP sequence variant interpretation guidelines (Richards et al. 2015 PMID: 25741868, with internal and published modifications).